The following is an entry in ClinVar:

ClinVar aggregate classification (germline): Uncertain significance. Review status: criteria provided, multiple submitters, no conflicts (2 of 4 stars). 2 submissions from 2 submitters: Uncertain significance (2). Last evaluated 2026-06-22.

Conditions:
Inborn genetic diseases. Identifiers: MedGen C0950123, MeSH D030342.

Submissions (2):

Ambry Genetics
Classification: Uncertain significance for Inborn genetic diseases. Last evaluated: 2026-06-22. Review status: criteria provided, single submitter. Criteria: Ambry Variant Classification Scheme 2023. Collection method: clinical testing. Allele origin: germline.
Comment: The c.3615G>A (p.M1205I) alteration is located in coding exon 25 of the CACNA1E gene. This alteration results from a G to A substitution at nucleotide position 3615, causing the methionine (M) at amino acid position 1205 to be replaced by an isoleucine (I). This variant was not reported in population-based cohorts in the Genome Aggregation Database (gnomAD). This amino acid position is highly conserved in available vertebrate species. This missense alteration is located in a region that has a low rate of benign missense variation (Lek, 2016; Firth, 2009). This alteration is predicted to be deleterious by in silico analysis. Based on insufficient or conflicting evidence, the clinical significance of this alteration remains unclear.

GeneDx
Classification: Uncertain significance. Last evaluated: 2025-03-05. Review status: criteria provided, single submitter. Criteria: GeneDx Variant Classification Process June 2021. Collection method: clinical testing. Allele origin: germline. Affected: yes.
Comment: Not observed at significant frequency in large population cohorts (gnomAD); In silico analysis supports that this missense variant has a deleterious effect on protein structure/function; Has not been previously published as pathogenic or benign to our knowledge

NM_001205293.3(CACNA1E):c.3615G>A (p.Met1205Ile)

Gene: CACNA1E (calcium voltage-gated channel subunit alpha1 E; plus strand). Cytogenetic location: 1q25.3.
Variant type: single nucleotide variant.
Coding change: c.3615G>A on transcript NM_001205293.3 (MANE Select); coding-DNA position 3615, G replaced by A.
Protein change: p.Met1205Ile; replaces methionine 1205 with isoleucine.
Molecular consequence: missense variant.
Genome position (GRCh38, 1-based): chr1:181,739,149, G>A. VCF-style: chr1-181739149-G-A. GRCh37 (hg19) VCF-style: chr1-181708285-G-A.
Other names: c.3615G>A, p.Met1205Ile (NM_000721.4); c.3558G>A, p.Met1186Ile (NM_001205294.2); c.3615G>A (NM_001205293.1); short protein forms M1186I, M1205I.
Identifiers: ClinVar variation 4082997 (VCV004082997.4).
Genomic context (GRCh38, chr1:181,739,149, plus strand): 5'-AGGTCAAGTGTTGCCCACACTTTCTTGGCTCACTGTGGCTGTTCATATCCTTCTGCAGAT[G>A]ATAGACCAAGGCTTGATCCTGCAGGATGGGTCCTACTTCCGAGACTTGTGGAACATCCTG-3'
Protein context (NP_001192222.1, residues 1195-1215): GVFTFEMVIK[Met1205Ile]IDQGLILQDG